The following is an entry in ClinVar:

NM_201384.3(PLEC):c.12679C>T (p.Leu4227Phe)

Gene: PLEC (plectin; minus strand). Cytogenetic location: 8q24.3.
Variant type: single nucleotide variant.
Coding change: c.12679C>T on transcript NM_201384.3 (MANE Select); coding-DNA position 12679, C replaced by T.
Protein change: p.Leu4227Phe; replaces leucine 4227 with phenylalanine.
Molecular consequence: missense variant.
Genome position (GRCh38, 1-based): chr8:143,917,142, G>A on the plus strand (C>T on the coding strand, the complement: PLEC is on the minus strand). VCF-style: chr8-143917142-G-A. GRCh37 (hg19) VCF-style: chr8-144991310-G-A.
Other names: c.12760C>T, p.Leu4254Phe (NM_000445.5); c.12637C>T, p.Leu4213Phe (NM_201378.4); c.12613C>T, p.Leu4205Phe (NM_201379.3); c.13090C>T, p.Leu4364Phe (NM_201380.4); c.12583C>T, p.Leu4195Phe (NM_201381.3); c.12679C>T, p.Leu4227Phe (NM_201382.4); c.12691C>T, p.Leu4231Phe (NM_201383.3); short protein forms L4231F, L4364F, L4254F, L4195F, L4213F, L4227F, L4205F.
Identifiers: ClinVar variation 1415650 (VCV001415650.8), dbSNP rs782010335, ClinGen allele CA4924013.

ClinVar aggregate classification (germline): Uncertain significance (1 of 4 stars; one submission).

Conditions:
Epidermolysis bullosa simplex 5B, with muscular dystrophy (EBS5B). Also called: EPIDERMOLYSIS BULLOSA SIMPLEX AND LIMB-GIRDLE MUSCULAR DYSTROPHY; Epidermolysis bullosa simplex with muscular dystrophy. Identifiers: Orphanet 257, MedGen C2931072, MONDO:0009181, OMIM 226670.
Epidermolysis bullosa simplex, Ogna type (EBS5A). Also called: EPIDERMOLYSIS BULLOSA SIMPLEX 5A, OGNA TYPE; Pidermolysis bullosa simplex 5A, Ogna type. Identifiers: Orphanet 79401, MedGen C0432317, MONDO:0007555, OMIM 131950.
Epidermolysis bullosa simplex with nail dystrophy (EBS5D). Identifiers: MedGen C4225309, MONDO:0014661, OMIM 616487.
Autosomal recessive limb-girdle muscular dystrophy type 2Q (LGMDR17). Also called: MUSCULAR DYSTROPHY, LIMB-GIRDLE, AUTOSOMAL RECESSIVE 17. Identifiers: Orphanet 254361, MedGen C3150989, MONDO:0013390, OMIM 613723.
Epidermolysis bullosa simplex 5C, with pyloric atresia (EBS5C). Also called: Epidermolysis bullosa simplex with pyloric atresia; PLEC-Related Epidermolysis Bullosa with Pyloric Atresia; PLEC1-Related Epidermolysis Bullosa with Pyloric Atresia. Identifiers: Orphanet 158684, MedGen C2677349, MONDO:0012807, OMIM 612138.

Allele frequency attached by ClinVar (database versions not stated): gnomAD exomes below 0.00001 and 0.00002; ExAC 0.00003.
gnomAD v4.1: 6 of 1,604,660 alleles (0.00037%); highest among the groups gnomAD compares: Admixed American, 0.0084%; no homozygotes.

Submission:

Labcorp Genetics (formerly Invitae), Labcorp
Classification: Uncertain significance for Autosomal recessive limb-girdle muscular dystrophy type 2Q; Epidermolysis bullosa simplex, Ogna type; Epidermolysis bullosa simplex with nail dystrophy; Epidermolysis bullosa simplex 5C, with pyloric atresia; Epidermolysis bullosa simplex 5B, with muscular dystrophy. Last evaluated: 2025-04-09. Review status: criteria provided, single submitter. Criteria: Invitae Variant Classification Sherloc (09022015). Collection method: clinical testing. Allele origin: germline.
Comment: This sequence change replaces leucine, which is neutral and non-polar, with phenylalanine, which is neutral and non-polar, at codon 4254 of the PLEC protein (p.Leu4254Phe). This variant is present in population databases (rs782010335, gnomAD 0.01%). This variant has not been reported in the literature in individuals affected with PLEC-related conditions. ClinVar contains an entry for this variant (Variation ID: 1415650). Invitae Evidence Modeling of protein sequence and biophysical properties (such as structural, functional, and spatial information, amino acid conservation, physicochemical variation, residue mobility, and thermodynamic stability) indicates that this missense variant is not expected to disrupt PLEC protein function with a negative predictive value of 80%. In summary, the available evidence is currently insufficient to determine the role of this variant in disease. Therefore, it has been classified as a Variant of Uncertain Significance.